The following is an entry in ClinVar:

ClinVar aggregate classification (germline): Uncertain significance. Review status: criteria provided, single submitter (1 of 4 stars). 2 submissions from 2 submitters: Uncertain significance (1). 1 of the submissions does not count toward it. Last evaluated 2024-07-21.

Conditions:
Baller-Gerold syndrome (BGS). Also called: CRANIOSYNOSTOSIS WITH RADIAL DEFECTS. Identifiers: Orphanet 1225, MedGen C0265308, MONDO:0009039, OMIM 218600.

Allele frequency attached by ClinVar (database versions not stated): gnomAD exomes below 0.00001; TOPMed below 0.00001.
gnomAD v4.1: 3 of 1,388,146 alleles (0.00022%); highest among the groups gnomAD compares: Non-Finnish European, 0.00028%; no homozygotes.

Submissions (2):

Labcorp Genetics (formerly Invitae), Labcorp
Classification: Uncertain significance for Baller-Gerold syndrome. Last evaluated: 2024-07-21. Review status: criteria provided, single submitter. Criteria: Invitae Variant Classification Sherloc (09022015). Collection method: clinical testing. Allele origin: germline.
Comment: This sequence change replaces glutamine, which is neutral and polar, with histidine, which is basic and polar, at codon 28 of the RECQL4 protein (p.Gln28His). This variant also falls at the last nucleotide of exon 1, which is part of the consensus splice site for this exon. This variant is not present in population databases (gnomAD no frequency). This variant has not been reported in the literature in individuals affected with RECQL4-related conditions. ClinVar contains an entry for this variant (Variation ID: 838594). Experimental studies and prediction algorithms are not available or were not evaluated, and the functional significance of this variant is currently unknown. Variants that disrupt the consensus splice site are a relatively common cause of aberrant splicing (PMID: 17576681, 9536098). Algorithms developed to predict the effect of sequence changes on RNA splicing suggest that this variant may disrupt the consensus splice site. In summary, the available evidence is currently insufficient to determine the role of this variant in disease. Therefore, it has been classified as a Variant of Uncertain Significance.

Department of Pathology and Laboratory Medicine, Sinai Health System
Classification: Uncertain significance. Review status: no assertion criteria provided. Collection method: clinical testing. Allele origin: unknown. Affected: yes. Study: The Canadian Open Genetics Repository (COGR). Not counted in ClinVar's aggregate classification.
Comment: The RECQL4 p.Gln28His variant was not identified in the literature nor was it identified in ClinVar, Cosmic, LOVD 3.0 or in the following control databases: the 1000 Genomes Project, the NHLBI GO Exome Sequencing Project, the Exome Aggregation Consortium (August 8th 2016), or the Genome Aggregation Database (March 6, 2019, v2.1.1). The p.Gln28 residue is not conserved in mammals and computational analyses (PolyPhen-2, AlignGVGD, BLOSUM) provide inconsistent predictions regarding the impact to the protein. The p.Gln28His variant occurs in the last base of the exon; this position has been shown to be part of the splicing consensus sequence and variants involving this position sometimes affect splicing. In addition, four of four in silico or computational prediction software programs (SpliceSiteFinder, MaxEntScan, NNSPLICE, GeneSplicer) predict a greater than 10% difference in splicing and the loss of the canonical 5' splice site. However, this has not been confirmed by RNA analysis. In summary, based on the above information the clinical significance of this variant cannot be determined with certainty at this time. This variant is classified as a variant of uncertain significance.

Literature cited by the submitters: PubMed 17576681 (cited by Labcorp Genetics (formerly Invitae), Labcorp); PubMed 9536098 (cited by Labcorp Genetics (formerly Invitae), Labcorp).

NM_004260.4(RECQL4):c.84G>C (p.Gln28His)

Genes: RECQL4 (RecQ like helicase 4; minus strand), LOC130001411 (ATAC-STARR-seq lymphoblastoid silent region 19699; plus strand). Cytogenetic location: 8q24.3.
Variant type: single nucleotide variant.
Coding change: c.84G>C on transcript NM_004260.4 (MANE Select); coding-DNA position 84, G replaced by C.
Protein change: p.Gln28His; replaces glutamine 28 with histidine.
Molecular consequence: missense variant.
Genome position (GRCh38, 1-based): chr8:144,517,701, C>G on the plus strand (G>C on the coding strand, the complement: RECQL4 is on the minus strand). VCF-style: chr8-144517701-C-G. GRCh37 (hg19) VCF-style: chr8-145743085-C-G.
Other names: short protein forms Q28H.
Identifiers: ClinVar variation 838594 (VCV000838594.7), dbSNP rs1586835584, ClinGen allele CA372693606.